The following is an entry in ClinVar:

ClinVar aggregate classification (germline): Uncertain significance. Review status: criteria provided, multiple submitters, no conflicts (2 of 4 stars). 2 submissions from 2 submitters: Uncertain significance (2). Last evaluated 2026-02-07.

Conditions:
TTN-related disorder. Also called: TTN-related condition; TTN-related disease; TTN-related disorders.

Allele frequency attached by ClinVar (database versions not stated): gnomAD exomes below 0.00001; gnomAD 0.00002; TOPMed 0.00002.
gnomAD v4.1: 5 of 1,610,460 alleles (0.00031%); highest among the groups gnomAD compares: African/African-American, 0.0054%; no homozygotes.

Submissions (2):

Women's Health and Genetics/Laboratory Corporation of America, LabCorp
Classification: Uncertain significance. Last evaluated: 2026-02-07. Review status: criteria provided, single submitter. Criteria: LabCorp Variant Classification Summary - May 2015. Collection method: clinical testing. Allele origin: germline.

PreventionGenetics, part of Exact Sciences
Classification: Uncertain significance for TTN-related condition. Last evaluated: 2023-01-06. Review status: criteria provided, single submitter. Criteria: ACMG Guidelines, 2015. Collection method: clinical testing. Allele origin: germline.
Comment: The TTN c.88950G>C variant is predicted to result in the amino acid substitution p.Met29650Ile. To our knowledge, this variant has not been reported in the literature. This variant is reported in 0.011% of alleles in individuals of African descent in gnomAD. At this time, the clinical significance of this variant is uncertain due to the absence of conclusive functional and genetic evidence.

NM_001267550.2(TTN):c.88950G>C (p.Met29650Ile)

Genes: TTN (titin; minus strand), TTN-AS1 (TTN antisense RNA 1; plus strand). Cytogenetic location: 2q31.2.
Variant type: single nucleotide variant.
Coding change: c.88950G>C on transcript NM_001267550.2 (MANE Select); coding-DNA position 88950, G replaced by C.
Protein change: p.Met29650Ile; replaces methionine 29650 with isoleucine.
Molecular consequence: missense variant.
Genome position (GRCh38, 1-based): chr2:178,554,161, C>G on the plus strand (G>C on the coding strand, the complement: TTN is on the minus strand). VCF-style: chr2-178554161-C-G. GRCh37 (hg19) VCF-style: chr2-179418888-C-G.
Other names: c.84027G>C, p.Met28009Ile (NM_001256850.1); c.61755G>C, p.Met20585Ile (NM_003319.4); c.81246G>C, p.Met27082Ile (NM_133378.4); c.62130G>C, p.Met20710Ile (NM_133432.3); c.62331G>C, p.Met20777Ile (NM_133437.4); short protein forms M20585I, M20710I, M20777I, M27082I, M28009I, M29650I.
Identifiers: ClinVar variation 2629919 (VCV002629919.2), dbSNP rs944381912, ClinGen allele CA60978762.
Genomic context (GRCh38, chr2:178,554,161, plus strand): 5'-AAGGAAATAGCCACTTATATCACTACCGCCATCTGCAATTGGCCTGCTCCATACAACAGT[C>G]ATCGAATTCTTGGTAATCTTTGTCACTTCTGGTATGCCTGGTGGCCCAGGTGTAACTATT-3'
Protein context (NP_001254479.2, residues 29640-29660): PEVTKITKNS[Met29650Ile]TVVWSRPIAD